The following is an entry in ClinVar:

NM_014491.4(FOXP2):c.1494T>C (p.Tyr498=)

Gene: FOXP2 (forkhead box P2; plus strand). Cytogenetic location: 7q31.1.
Variant type: single nucleotide variant.
Coding change: c.1494T>C on transcript NM_014491.4 (MANE Select); coding-DNA position 1494, T replaced by C.
Protein change: p.Tyr498=; no amino-acid change (tyrosine 498 retained).
Molecular consequence: synonymous variant. On other transcripts: non-coding transcript variant (2).
Genome position (GRCh38, 1-based): chr7:114,659,381, T>C. VCF-style: chr7-114659381-T-C. GRCh37 (hg19) VCF-style: chr7-114299436-T-C.
Other names: c.1491T>C, p.Tyr497= (NM_001172766.3); c.1569T>C, p.Tyr523= (NM_148898.4); c.1545T>C, p.Tyr515= (NM_148900.4).
Identifiers: ClinVar variation 358607 (VCV000358607.11), dbSNP rs191237950, ClinGen allele CA4446126.

ClinVar aggregate classification (germline): Benign/Likely benign. Review status: criteria provided, multiple submitters, no conflicts (2 of 4 stars). 4 submissions from 4 submitters: Benign (2); Likely benign (2). Last evaluated 2024-03-22.

Conditions:
Childhood apraxia of speech (SPCH1). Also called: SPEECH AND LANGUAGE DISORDER WITH OROFACIAL DYSPRAXIA; DEVELOPMENTAL VERBAL DYSPRAXIA; Speech language disorder; FOXP2-Related Speech and Language Disorder. Identifiers: Orphanet 209908, MedGen C0750927, MONDO:0011184, OMIM 602081.

Allele frequency attached by ClinVar (database versions not stated): gnomAD exomes 0.00006 and 0.00024; gnomAD 0.00007 and 0.00011; TOPMed 0.00013; ExAC 0.00022; 1000 Genomes Project 30x 0.00078; 1000 Genomes Project 0.00080.
gnomAD v4.1: 125 of 1,612,988 alleles (0.0077%); highest among the groups gnomAD compares: East Asian, 0.22%; no homozygotes.

Submissions (4):

Blueprint Genetics
Classification: Likely benign. Last evaluated: 2024-03-22. Review status: criteria provided, single submitter. Criteria: ACMG Guidelines, 2015. Collection method: clinical testing. Allele origin: germline.

Fulgent Genetics
Classification: Likely benign for Childhood apraxia of speech. Last evaluated: 2021-08-11. Review status: criteria provided, single submitter. Criteria: ACMG Guidelines, 2015. Collection method: clinical testing. Allele origin: unknown.

Labcorp Genetics (formerly Invitae), Labcorp
Classification: Benign. Last evaluated: 2019-12-31. Review status: criteria provided, single submitter. Criteria: Invitae Variant Classification Sherloc (09022015). Collection method: clinical testing. Allele origin: germline.

Illumina Laboratory Services, Illumina
Classification: Benign for Childhood apraxia of speech. Last evaluated: 2018-01-12. Review status: criteria provided, single submitter. Criteria: ICSL Variant Classification Criteria 13 December 2019. Collection method: clinical testing. Allele origin: germline.
Comment: This variant was observed in the ICSL laboratory as part of a predisposition screen in an ostensibly healthy population. It had not been previously curated by ICSL or reported in the Human Gene Mutation Database (HGMD: prior to June 1st, 2018), and was therefore a candidate for classification through an automated scoring system. Utilizing variant allele frequency, disease prevalence and penetrance estimates, and inheritance mode, an automated score was calculated to assess if this variant is too frequent to cause the disease. Based on the score and internal cut-off values, a variant classified as benign is not then subjected to further curation. The score for this variant resulted in a classification of benign for this disease.